The following is an entry in ClinVar:

ClinVar aggregate classification (germline): Conflicting classifications of pathogenicity. Review status: criteria provided, conflicting classifications (1 of 4 stars). 4 submissions from 4 submitters: Pathogenic (1); Likely pathogenic (2); Uncertain significance (1). Last evaluated 2025-10-20.

Conditions:
Mucopolysaccharidosis type 6 (MPS6). Also called: N-ACETYLGALACTOSAMINE-4-SULFATASE DEFICIENCY; MPS VI; MPS 6; Maroteaux Lamy syndrome; ARSB DEFICIENCY; ARYLSULFATASE B DEFICIENCY. Identifiers: Orphanet 583, MedGen C0026709, MONDO:0009661, OMIM 253200.

Submissions (4):

Natera, Inc.
Classification: Likely pathogenic for Mucopolysaccharidosis type VI. Last evaluated: 2025-10-20. Review status: criteria provided, single submitter. Criteria: Natera Variant Classification Schema (03/2026). Collection method: clinical testing. Allele origin: germline.
Comment: The c.937C>T variant in ARSB is a missense variant predicted to cause substitution of proline to serine at amino acid 313. This variant is rare in the general population with a frequency below the threshold expected for the associated phenotype(s). This variant has been observed in one or more individuals affected with the associated recessive disease, as either homozygous or compound heterozygous with a second variant (PMID: 36561048, 30083803). Additionally, this variant has been observed to segregate in affected family members (PMID: 36561048). A different variant at the same position has been determined to be Pathogenic or Likely Pathogenic. Computational prediction algorithms indicate this variant is likely to affect gene or protein function. Given the available evidence, this variant is classified as Likely Pathogenic.

Baylor Genetics
Classification: Likely pathogenic for Mucopolysaccharidosis type 6. Last evaluated: 2024-01-28. Review status: criteria provided, single submitter. Criteria: ACMG Guidelines, 2015. Collection method: clinical testing. Allele origin: unknown.

Labcorp Genetics (formerly Invitae), Labcorp
Classification: Pathogenic for Mucopolysaccharidosis type 6. Last evaluated: 2022-07-18. Review status: criteria provided, single submitter. Criteria: Invitae Variant Classification Sherloc (09022015). Collection method: clinical testing. Allele origin: germline.
Comment: This variant disrupts the p.Pro313 amino acid residue in ARSB. Other variant(s) that disrupt this residue have been determined to be pathogenic (PMID: 17458871, 17643332, 23557332, 27826022). This suggests that this residue is clinically significant, and that variants that disrupt this residue are likely to be disease-causing. For these reasons, this variant has been classified as Pathogenic. Advanced modeling of protein sequence and biophysical properties (such as structural, functional, and spatial information, amino acid conservation, physicochemical variation, residue mobility, and thermodynamic stability) performed at Invitae indicates that this missense variant is expected to disrupt ARSB protein function. This sequence change replaces proline, which is neutral and non-polar, with serine, which is neutral and polar, at codon 313 of the ARSB protein (p.Pro313Ser). This variant is not present in population databases (gnomAD no frequency). This missense change has been observed in individual(s) with mucolipidosis VI (PMID: 17458871). ClinVar contains an entry for this variant (Variation ID: 559827).

Laboratory of Diagnosis and Therapy of Lysosomal Disorders, University of Padova
Classification: Uncertain significance for Mucopolysaccharidosis type 6. Last evaluated: 2018-01-01. Review status: criteria provided, single submitter. Criteria: ACMG Guidelines, 2015. Collection method: curation. Allele origin: germline. Affected: yes.
Comment: Absent from GnomAD (PM2)

Literature cited by the submitters: PubMed 36561048 (cited by Natera, Inc.); PubMed 30083803 (cited by Natera, Inc.); PubMed 17458871 (cited by Labcorp Genetics (formerly Invitae), Labcorp and Laboratory of Diagnosis and Therapy of Lysosomal Disorders, University of Padova); PubMed 17643332 (cited by Labcorp Genetics (formerly Invitae), Labcorp); PubMed 23557332 (cited by Labcorp Genetics (formerly Invitae), Labcorp); PubMed 27826022 (cited by Labcorp Genetics (formerly Invitae), Labcorp); PubMed 30118150 (cited by Laboratory of Diagnosis and Therapy of Lysosomal Disorders, University of Padova).

NM_000046.5(ARSB):c.937C>T (p.Pro313Ser)

Gene: ARSB (arylsulfatase B; minus strand). Cytogenetic location: 5q14.1.
Variant type: single nucleotide variant.
Coding change: c.937C>T on transcript NM_000046.5 (MANE Select); coding-DNA position 937, C replaced by T.
Protein change: p.Pro313Ser; replaces proline 313 with serine.
Molecular consequence: missense variant.
Genome position (GRCh38, 1-based): chr5:78,885,789, G>A on the plus strand (C>T on the coding strand, the complement: ARSB is on the minus strand). VCF-style: chr5-78885789-G-A. GRCh37 (hg19) VCF-style: chr5-78181612-G-A.
Other names: c.937C>T, p.Pro313Ser (NM_198709.3); short protein forms P313S.
Identifiers: ClinVar variation 559827 (VCV000559827.8), dbSNP rs749989641, ClinGen allele CA360343412.